The following is an entry in ClinVar:

ClinVar aggregate classification (germline): Likely benign. Review status: criteria provided, multiple submitters, no conflicts (2 of 4 stars). 3 submissions from 3 submitters: Likely benign (2). 1 of the submissions does not count toward it. Last evaluated 2026-02-01.

Conditions:
CYBA-related disorder. Also called: CYBA-related condition.
Granulomatous disease, chronic, autosomal recessive, cytochrome b-negative. Also called: Chronic granulomatous disease, autosomal, due to deficiency of CYBA; GRANULOMATOUS DISEASE, CHRONIC, AUTOSOMAL RECESSIVE, 4; CGD DUE TO DEFICIENCY OF THE ALPHA SUBUNIT OF CYTOCHROME b; CGD, AUTOSOMAL RECESSIVE CYTOCHROME b-NEGATIVE; CYBA DEFICIENCY. Identifiers: Orphanet 379, MedGen C1856255, MONDO:0009308, OMIM 233690.

Allele frequency attached by ClinVar (database versions not stated): gnomAD 0.00007; gnomAD exomes 0.00007; TOPMed 0.00008.
gnomAD v4.1: 145 of 1,532,340 alleles (0.0095%); highest among the groups gnomAD compares: Non-Finnish European, 0.012%; no homozygotes.

Submissions (3):

CeGaT Center for Human Genetics Tuebingen
Classification: Likely benign. Last evaluated: 2026-02-01. Review status: criteria provided, single submitter. Criteria: CeGaT Center For Human Genetics Tuebingen Variant Classification Criteria Version 2. Collection method: clinical testing. Allele origin: germline. Affected: yes. Observed: 2 variant alleles.
Comment: CYBA: BP4, BP7

Labcorp Genetics (formerly Invitae), Labcorp
Classification: Likely benign for Granulomatous disease, chronic, autosomal recessive, cytochrome b-negative. Last evaluated: 2025-12-30. Review status: criteria provided, single submitter. Criteria: Invitae Variant Classification Sherloc (09022015). Collection method: clinical testing. Allele origin: germline.

PreventionGenetics, part of Exact Sciences
Classification: Likely benign for CYBA-related condition. Last evaluated: 2022-09-06. Review status: no assertion criteria provided. Collection method: clinical testing. Allele origin: germline. Not counted in ClinVar's aggregate classification.
Comment: This variant is classified as likely benign based on ACMG/AMP sequence variant interpretation guidelines (Richards et al. 2015 PMID: 25741868, with internal and published modifications).

NM_000101.4(CYBA):c.564C>T (p.Ile188=)

Gene: CYBA (cytochrome b-245 alpha chain; minus strand). Cytogenetic location: 16q24.2.
Variant type: single nucleotide variant.
Coding change: c.564C>T on transcript NM_000101.4 (MANE Select); coding-DNA position 564, C replaced by T.
Protein change: p.Ile188=; no amino-acid change (isoleucine 188 retained).
Molecular consequence: synonymous variant.
Genome position (GRCh38, 1-based): chr16:88,643,377, G>A on the plus strand (C>T on the coding strand, the complement: CYBA is on the minus strand). VCF-style: chr16-88643377-G-A. GRCh37 (hg19) VCF-style: chr16-88709785-G-A.
Other names: c.564C>T (NM_000101.3).
Identifiers: ClinVar variation 1099006 (VCV001099006.34), dbSNP rs776216387, ClinGen allele CA8228171.
Genomic context (GRCh38, chr16:88,643,377, plus strand): 5'-GGGTGCACCTGGCGGGAGGGCAGGTCCGGGGCGAGGTCACACGACCTCGTCGGTCACCGG[G>A]ATGGGGTTGACCTGGGGACCTCCCGGGGGTCCCCCCGCCGCCACCGCAGCCTCCTCCTCG-3'
Protein context (NP_000092.2, residues 178-195): GPPGGPQVNP[Ile188=]PVTDEVV